The following is an entry in ClinVar:

NM_001814.6(CTSC):c.706G>T (p.Asp236Tyr)

Gene: CTSC (cathepsin C; minus strand). Cytogenetic location: 11q14.2.
Variant type: single nucleotide variant.
Coding change: c.706G>T on transcript NM_001814.6 (MANE Select); coding-DNA position 706, G replaced by T.
Protein change: p.Asp236Tyr; replaces aspartic acid 236 with tyrosine.
Molecular consequence: missense variant.
Genome position (GRCh38, 1-based): chr11:88,300,581, C>A on the plus strand (G>T on the coding strand, the complement: CTSC is on the minus strand). VCF-style: chr11-88300581-C-A. GRCh37 (hg19) VCF-style: chr11-88033749-C-A.
Other names: short protein forms D236Y.
Identifiers: ClinVar variation 2627204 (VCV002627204.2), dbSNP rs764724707, ClinGen allele CA6219883.

ClinVar aggregate classification (germline): Conflicting classifications of pathogenicity. Review status: criteria provided, conflicting classifications (1 of 4 stars). 2 submissions from 2 submitters: Likely pathogenic (1); Uncertain significance (1). Last evaluated 2023-11-13.

Conditions:
CTSC-related disorder. Also called: CTSC-related condition; CTSC-related disorders. Identifiers: MedGen CN375926, MONDO:0800465.

Allele frequency attached by ClinVar (database versions not stated): ExAC 0.00001; gnomAD 0.00001; TOPMed 0.00001.
gnomAD v4.1: 10 of 1,613,800 alleles (0.00062%); highest among the groups gnomAD compares: Non-Finnish European, 0.00076%; no homozygotes.

Submissions (2):

Blueprint Genetics
Classification: Likely pathogenic for CTSC-related disorders. Last evaluated: 2023-11-13. Review status: criteria provided, single submitter. Criteria: ACMG Guidelines, 2015. Collection method: clinical testing. Allele origin: germline. Affected: yes. Observed: 2 variant alleles.

Women's Health and Genetics/Laboratory Corporation of America, LabCorp
Classification: Uncertain significance. Last evaluated: 2023-09-12. Review status: criteria provided, single submitter. Criteria: LabCorp Variant Classification Summary - May 2015. Collection method: clinical testing. Allele origin: germline.
Comment: Variant summary: CTSC c.706G>T (p.Asp236Tyr) results in a non-conservative amino acid change located in the Peptidase C1A, papain C-terminal domain (IPR000668) of the encoded protein sequence. Five of five in-silico tools predict a damaging effect of the variant on protein function. The variant allele was found at a frequency of 4e-06 in 251384 control chromosomes (gnomAD). The available data on variant occurrences in the general population are insufficient to allow any conclusion about variant significance. c.706G>T has been reported in the literature in an individual affected with Papillon-Lefevre syndrome (example: Allende_2001 and Selvaraju_2003). These reports do not provide unequivocal conclusions about association of the variant with Papillon-Lefevre syndrome. To our knowledge, no experimental evidence demonstrating an impact on protein function has been reported. The following publications have been ascertained in the context of this evaluation (PMID: 12857359, 11180601). No submitters have cited clinical-significance assessments for this variant to ClinVar after 2014. Based on the evidence outlined above, the variant was classified as uncertain significance.

Literature cited by the submitters: PubMed 11180601 (cited by Women's Health and Genetics/Laboratory Corporation of America, LabCorp); PubMed 12857359 (cited by Women's Health and Genetics/Laboratory Corporation of America, LabCorp).